The following is an entry in ClinVar:

NM_000382.3(ALDH3A2):c.1443+1G>A

Gene: ALDH3A2 (aldehyde dehydrogenase 3 family member A2; plus strand). Cytogenetic location: 17p11.2.
Variant type: single nucleotide variant.
Coding change: c.1443+1G>A on transcript NM_000382.3 (MANE Select); the canonical splice donor site of the intron after coding-DNA position 1443, G replaced by A.
Molecular consequence: splice donor variant. On other transcripts: intron variant (1).
Genome position (GRCh38, 1-based): chr17:19,671,957, G>A. VCF-style: chr17-19671957-G-A. GRCh37 (hg19) VCF-style: chr17-19575270-G-A.
Other names: c.864+1G>A (NM_001369148.2); c.1443+1G>A (NM_001369137.2, NM_001369138.2, NM_001031806.2 and 2 more transcripts); c.1208-3601G>A (NM_001369146.2).
Identifiers: ClinVar variation 555455 (VCV000555455.8), dbSNP rs199548781, ClinGen allele CA8443080.

ClinVar aggregate classification (germline): Conflicting classifications of pathogenicity. Review status: criteria provided, conflicting classifications (1 of 4 stars). 6 submissions from 6 submitters: Pathogenic (1); Likely pathogenic (3); Uncertain significance (1). 1 of the submissions does not count toward it. Last evaluated 2024-09-02.

Conditions:
ALDH3A2-related disorder. Also called: ALDH3A2-related condition.
Sjögren-Larsson syndrome (SLS). Also called: FALDH DEFICIENCY; FATTY ALCOHOL:NAD+ OXIDOREDUCTASE DEFICIENCY; FATTY ALDEHYDE DEHYDROGENASE DEFICIENCY; ICHTHYOSIS, SPASTIC NEUROLOGIC DISORDER, AND OLIGOPHRENIA. Identifiers: Orphanet 816, MedGen C0037231, MONDO:0010031, OMIM 270200.

Allele frequency attached by ClinVar (database versions not stated): gnomAD 0.00001; gnomAD exomes 0.00001 and 0.00002; ExAC 0.00002; 1000 Genomes Project 30x 0.00031; 1000 Genomes Project 0.00040.
gnomAD v4.1: 6 of 1,613,512 alleles (0.00037%); highest among the groups gnomAD compares: Admixed American, 0.0083%; no homozygotes.

Submissions (6):

Natera, Inc.
Classification: Likely pathogenic for Sjögren-Larsson syndrome. Last evaluated: 2024-09-02. Review status: criteria provided, single submitter. Criteria: Natera Variant Classification Schema (03/2026). Collection method: clinical testing. Allele origin: germline.
Comment: The c.1443+1G>A variant in ALDH3A2 is a canonical splice donor site variant predicted to affect pre-mRNA splicing, which may result in an abnormal transcript and altered protein product. This variant is expected to result in nonsense mediated decay, truncation, or a dysfunctional protein product. This variant is rare in the general population with a frequency below the threshold expected for the associated phenotype(s). Given the available evidence, this variant is classified as Likely Pathogenic.

Fulgent Genetics
Classification: Likely pathogenic for Sjögren-Larsson syndrome. Last evaluated: 2024-01-25. Review status: criteria provided, single submitter. Criteria: ACMG Guidelines, 2015. Collection method: clinical testing. Allele origin: germline.

Mendelics
Classification: Pathogenic for Sjögren-Larsson syndrome. Last evaluated: 2022-05-04. Review status: criteria provided, single submitter. Criteria: Mendelics Assertion Criteria 2019. Collection method: clinical testing. Allele origin: germline.

Women's Health and Genetics/Laboratory Corporation of America, LabCorp
Classification: Uncertain significance. Last evaluated: 2022-03-01. Review status: criteria provided, single submitter. Criteria: LabCorp Variant Classification Summary - May 2015. Collection method: clinical testing. Allele origin: germline.
Comment: Variant summary: ALDH3A2 c.1443+1G>A is located in a canonical splice-site at the junction of the penultimate exon and the last intron, and is predicted to affect mRNA splicing resulting in a significantly altered protein due to either exon skipping, shortening, or inclusion of intronic material. Several computational tools predict a significant impact on normal splicing: 4/4 predict the variant abolishes a 5' splicing donor site. Though this variant might result in a frame-shift with a premature termination codon, it is not expected to cause nonsense mediated decay (NMD). However, these predictions have yet to be confirmed by functional studies. The variant allele was found at a frequency of 1.6e-05 in 251004 control chromosomes (gnomAD). To our knowledge, no occurrence of c.1443+1G>A in individuals affected with Sjogren-Larsson Syndrome and no experimental evidence demonstrating its impact on protein function have been reported. One clinical diagnostic laboratory has submitted clinical-significance assessments for this variant to ClinVar after 2014 without evidence for independent evaluation, and classified the variant as likely pathogenic. Based on the evidence outlined above, the variant was classified as VUS-possibly pathogenic.

Blueprint Genetics
Classification: Likely pathogenic for ALDH3A2-related disorders. Last evaluated: 2020-11-10. Review status: criteria provided, single submitter. Criteria: ACMG Guidelines, 2015. Collection method: clinical testing. Allele origin: germline. Affected: yes. Observed: 1 variant allele.

Counsyl
Classification: Likely pathogenic for Sjögren-Larsson syndrome. Last evaluated: 2017-12-14. Review status: no assertion criteria provided. Collection method: clinical testing. Allele origin: unknown. Not counted in ClinVar's aggregate classification.